The following is an entry in ClinVar:

NM_000214.3(JAG1):c.207C>A (p.Asp69Glu)

Gene: JAG1 (jagged canonical Notch ligand 1; minus strand). Cytogenetic location: 20p12.2.
Variant type: single nucleotide variant.
Coding change: c.207C>A on transcript NM_000214.3 (MANE Select); coding-DNA position 207, C replaced by A.
Protein change: p.Asp69Glu; replaces aspartic acid 69 with glutamic acid.
Molecular consequence: missense variant.
Genome position (GRCh38, 1-based): chr20:10,672,881, G>T on the plus strand (C>A on the coding strand, the complement: JAG1 is on the minus strand). VCF-style: chr20-10672881-G-T. GRCh37 (hg19) VCF-style: chr20-10653529-G-T.
Other names: short protein forms D69E.
Identifiers: ClinVar variation 4710530 (VCV004710530.1).

ClinVar aggregate classification (germline): Uncertain significance (1 of 4 stars; one submission).

Conditions:
Alagille syndrome due to a JAG1 point mutation. Also called: JAG1-Related Alagille Syndrome; HEPATIC DUCTULAR HYPOPLASIA, SYNDROMATIC; Alagille Syndrome 1. Identifiers: Orphanet 261619, Orphanet 52, MedGen C1956125, MONDO:0016862, OMIM 118450.

Submission:

Labcorp Genetics (formerly Invitae), Labcorp
Classification: Uncertain significance for Alagille syndrome due to a JAG1 point mutation. Last evaluated: 2025-05-14. Review status: criteria provided, single submitter. Criteria: Invitae Variant Classification Sherloc (09022015). Collection method: clinical testing. Allele origin: germline.
Comment: This sequence change replaces aspartic acid, which is acidic and polar, with glutamic acid, which is acidic and polar, at codon 69 of the JAG1 protein (p.Asp69Glu). This variant is not present in population databases (gnomAD no frequency). This variant has not been reported in the literature in individuals affected with JAG1-related conditions. Invitae Evidence Modeling of protein sequence and biophysical properties (such as structural, functional, and spatial information, amino acid conservation, physicochemical variation, residue mobility, and thermodynamic stability) indicates that this missense variant is not expected to disrupt JAG1 protein function with a negative predictive value of 95%. In summary, the available evidence is currently insufficient to determine the role of this variant in disease. Therefore, it has been classified as a Variant of Uncertain Significance.